The following is an entry in ClinVar:

NM_001267550.2(TTN):c.34814T>C (p.Val11605Ala)

Gene: TTN (titin; minus strand). Cytogenetic location: 2q31.2.
Variant type: single nucleotide variant.
Coding change: c.34814T>C on transcript NM_001267550.2 (MANE Select); coding-DNA position 34814, T replaced by C.
Protein change: p.Val11605Ala; replaces valine 11605 with alanine.
Molecular consequence: missense variant. On other transcripts: intron variant (3).
Genome position (GRCh38, 1-based): chr2:178,672,676, A>G on the plus strand (T>C on the coding strand, the complement: TTN is on the minus strand). VCF-style: chr2-178672676-A-G. GRCh37 (hg19) VCF-style: chr2-179537403-A-G.
Other names: p.Val11231Ala; c.33692T>C, p.Val11231Ala (NM_001256850.1); c.30911T>C, p.Val10304Ala (NM_133378.4); c.13283-30359T>C (NM_003319.4); c.13859-30359T>C (NM_133437.4); c.13658-30359T>C (NM_133432.3); short protein forms V10304A, V11231A, V11605A.
Identifiers: ClinVar variation 4080773 (VCV004080773.2).

ClinVar aggregate classification (germline): Uncertain significance. Review status: criteria provided, multiple submitters, no conflicts (2 of 4 stars). 2 submissions from 2 submitters: Uncertain significance (2). Last evaluated 2025-11-04.

gnomAD v4.1: 19 of 1,608,772 alleles (0.0012%); highest among the groups gnomAD compares: Non-Finnish European, 0.0015%; no homozygotes.

Submissions (2):

Mayo Clinic Laboratories, Mayo Clinic
Classification: Uncertain significance. Last evaluated: 2025-11-04. Review status: criteria provided, single submitter. Criteria: ACMG Guidelines, 2015. Collection method: clinical testing. Allele origin: germline. Observed: 1 variant allele.
Comment: BP4_moderate

Revvity Omics, Revvity
Classification: Uncertain significance. Last evaluated: 2024-05-07. Review status: criteria provided, single submitter. Criteria: ACMG Guidelines, 2015. Collection method: clinical testing. Allele origin: germline.